The following is an entry in ClinVar:

NM_000256.3(MYBPC3):c.2539T>C (p.Tyr847His)

Gene: MYBPC3 (myosin binding protein C3; minus strand). Cytogenetic location: 11p11.2.
Variant type: single nucleotide variant.
Coding change: c.2539T>C on transcript NM_000256.3 (MANE Select); coding-DNA position 2539, T replaced by C.
Protein change: p.Tyr847His; replaces tyrosine 847 with histidine.
Molecular consequence: missense variant.
Genome position (GRCh38, 1-based): chr11:47,337,454, A>G on the plus strand (T>C on the coding strand, the complement: MYBPC3 is on the minus strand). VCF-style: chr11-47337454-A-G. GRCh37 (hg19) VCF-style: chr11-47359005-A-G.
Other names: c.2539T>C, p.Tyr847His (LRG_386t1); short protein forms Y847H.
Identifiers: ClinVar variation 427144 (VCV000427144.11), dbSNP rs768963157, ClinGen allele CA078794.
Genomic context (GRCh38, chr11:47,337,454, plus strand): 5'-TAGGCATGAAGGGCTGGGAGGCAGGGCTGGGCCTGGACATGCCGATGGCGTTGACCGCGT[A>G]GACGCGCATCTCGTACACCACGCCCTCGATCATGCGCCGCGCTTCATGACTCAGCTCCTG-3'
Protein context (NP_000247.2, residues 837-857): IEGVVYEMRV[Tyr847His]AVNAIGMSRP

ClinVar aggregate classification (germline): Uncertain significance. Review status: criteria provided, multiple submitters, no conflicts (2 of 4 stars). 3 submissions from 3 submitters: Uncertain significance (3). Last evaluated 2024-04-04.

Conditions:
Hypertrophic cardiomyopathy. Also called: HYPERTROPHIC MYOCARDIOPATHY. Identifiers: Orphanet 217569, MedGen C0007194, MeSH D002312, MONDO:0005045, HP:0001639.
Cardiovascular phenotype. Identifiers: MedGen CN230736.

Allele frequency attached by ClinVar (database versions not stated): gnomAD exomes below 0.00001; TOPMed below 0.00001; ExAC 0.00001.

Submissions (3):

Labcorp Genetics (formerly Invitae), Labcorp
Classification: Uncertain significance for Hypertrophic cardiomyopathy. Last evaluated: 2024-04-04. Review status: criteria provided, single submitter. Criteria: Invitae Variant Classification Sherloc (09022015). Collection method: clinical testing. Allele origin: germline.
Comment: This sequence change replaces tyrosine, which is neutral and polar, with histidine, which is basic and polar, at codon 847 of the MYBPC3 protein (p.Tyr847His). This variant is present in population databases (rs768963157, gnomAD 0.006%). This missense change has been observed in individual(s) with hypertrophic cardiomyopathy (PMID: 20021930). ClinVar contains an entry for this variant (Variation ID: 427144). An algorithm developed to predict the effect of missense changes on protein structure and function (PolyPhen-2) suggests that this variant is likely to be disruptive. In summary, the available evidence is currently insufficient to determine the role of this variant in disease. Therefore, it has been classified as a Variant of Uncertain Significance.

Ambry Genetics
Classification: Uncertain significance for Cardiovascular phenotype. Last evaluated: 2021-04-06. Review status: criteria provided, single submitter. Criteria: Ambry Variant Classification Scheme 2023. Collection method: clinical testing. Allele origin: germline.
Comment: The p.Y847H variant (also known as c.2539T>C), located in coding exon 25 of the MYBPC3 gene, results from a T to C substitution at nucleotide position 2539. The tyrosine at codon 847 is replaced by histidine, an amino acid with similar properties. This variant co-occurred with a second MYBPC3 variant in an individual with hypertrophic cardiomyopathy (Liu W et al. Am J Cardiol, 2013 Aug;112:585-9). This amino acid position is highly conserved in available vertebrate species. In addition, this alteration is predicted to be deleterious by in silico analysis. Since supporting evidence is limited at this time, the clinical significance of this alteration remains unclear.

GeneDx
Classification: Uncertain significance. Last evaluated: 2018-02-14. Review status: criteria provided, single submitter. Criteria: GeneDx Variant Classification (06012015). Collection method: clinical testing. Allele origin: germline. Affected: yes.
Comment: A variant of uncertain significance has been identified in the MYBPC3 gene. This variant has been reported in association with HCM in an individual, identified to have a second pathogenic variant (Liu W et al., 2013). Liu et al. (2013) observed that this individuals has features of HCM consistent with compound heterozygosity, however there is lack of functional and segregation data for this variant. The Y847H variant is not observed at a significant frequency in large population cohorts (Lek et al., 2016). The Y847H variant is a non-conservative amino acid substitution, which is likely to impact secondary protein structure as these residues differ in polarity, charge, size and/or other properties.In-silico analyses, including protein predictors and evolutionary conservation, support a deleterious effect. Nonetheless, additional evidence is needed to clarify pathogenicity, including significant observation in affected individuals, informative segregation data, and functional evidence.Therefore, based on the currently available information, it is unclear whether this variant is pathogenic or rare benign.

Literature cited by the submitters: PubMed 20021930 (cited by Labcorp Genetics (formerly Invitae), Labcorp and Ambry Genetics); PubMed 23711808 (cited by Ambry Genetics).